The following is an entry in ClinVar:

NM_000188.3(HK1):c.1720-3C>T

Gene: HK1 (hexokinase 1; plus strand). Cytogenetic location: 10q22.1.
Variant type: single nucleotide variant.
Coding change: c.1720-3C>T on transcript NM_000188.3 (MANE Select); 3 bases into the intron before coding-DNA position 1720, C replaced by T.
Molecular consequence: intron variant.
Genome position (GRCh38, 1-based): chr10:69,384,793, C>T. VCF-style: chr10-69384793-C-T. GRCh37 (hg19) VCF-style: chr10-71144549-C-T.
Other names: c.1684-3C>T (NM_033500.2); c.1825-3C>T (NM_001322365.2); c.1732-3C>T (NM_033498.3, NM_033497.3, NM_001322364.2 and 1 more transcripts); c.1717-3C>T (NM_033496.3); c.1636-3C>T (NM_001322366.1); c.1624-3C>T (NM_001322367.1).
Identifiers: ClinVar variation 1014924 (VCV001014924.7), dbSNP rs1256697528, ClinGen allele CA593840758.

ClinVar aggregate classification (germline): Uncertain significance. Review status: criteria provided, multiple submitters, no conflicts (2 of 4 stars). 2 submissions from 2 submitters: Uncertain significance (2). Last evaluated 2025-03-31.

Conditions:
Charcot-Marie-Tooth disease type 4G. Also called: CHARCOT-MARIE-TOOTH DISEASE, DEMYELINATING, TYPE 4G; Neuropathy, hereditary motor and sensory, Russe type; CHARCOT-MARIE-TOOTH NEUROPATHY, TYPE 4G. Identifiers: Orphanet 99953, MedGen C1854449, MONDO:0011534, OMIM 605285.
Neurodevelopmental disorder with visual defects and brain anomalies. Identifiers: MedGen C5231404, MONDO:0032807, OMIM 618547.

Allele frequency attached by ClinVar (database versions not stated): gnomAD exomes 0.00001; TOPMed 0.00001.
gnomAD v4.1: 4 of 1,614,244 alleles (0.00025%); highest among the groups gnomAD compares: Admixed American, 0.005%; no homozygotes.

Submissions (2):

Labcorp Genetics (formerly Invitae), Labcorp
Classification: Uncertain significance. Last evaluated: 2025-03-31. Review status: criteria provided, single submitter. Criteria: Invitae Variant Classification Sherloc (09022015). Collection method: clinical testing. Allele origin: germline.
Comment: This sequence change falls in intron 11 of the HK1 gene. It does not directly change the encoded amino acid sequence of the HK1 protein. It affects a nucleotide within the consensus splice site. This variant is present in population databases (no rsID available, gnomAD 0.006%). This variant has not been reported in the literature in individuals affected with HK1-related conditions. ClinVar contains an entry for this variant (Variation ID: 1014924). Variants that disrupt the consensus splice site are a relatively common cause of aberrant splicing (PMID: 17576681, 9536098). Algorithms developed to predict the effect of sequence changes on RNA splicing suggest that this variant is not likely to affect RNA splicing. In summary, the available evidence is currently insufficient to determine the role of this variant in disease. Therefore, it has been classified as a Variant of Uncertain Significance.

New York Genome Center
Classification: Uncertain significance for Neurodevelopmental disorder with visual defects and brain anomalies; Charcot-Marie-Tooth disease type 4G. Last evaluated: 2021-06-04. Review status: criteria provided, single submitter. Criteria: NYGC Assertion Criteria 2020. Collection method: clinical testing. Allele origin: inherited. Observed: 1 heterozygote. Study: CSER-NYCKidSeq.

Literature cited by the submitters: PubMed 17576681 (cited by Labcorp Genetics (formerly Invitae), Labcorp); PubMed 9536098 (cited by Labcorp Genetics (formerly Invitae), Labcorp).